The following continues an entry in ClinVar:

NM_000551.4(VHL):c.74C>T (p.Pro25Leu)

Gene: VHL. ClinVar aggregate classification (germline): Benign. Benign (1).

Submissions 18 to 34 of 34:

Illumina Laboratory Services, Illumina
Classification: Benign for Von Hippel-Lindau syndrome. Last evaluated: 2018-03-06. Review status: criteria provided, single submitter. Criteria: ICSL Variant Classification Criteria 13 December 2019. Collection method: clinical testing. Allele origin: germline. Not counted in ClinVar's aggregate classification.
Comment: This variant was observed in the ICSL laboratory as part of a predisposition screen in an ostensibly healthy population. It had not been previously curated by ICSL or reported in the Human Gene Mutation Database (HGMD: prior to June 1st, 2018), and was therefore a candidate for classification through an automated scoring system. Utilizing variant allele frequency, disease prevalence and penetrance estimates, and inheritance mode, an automated score was calculated to assess if this variant is too frequent to cause the disease. Based on the score and internal cut-off values, a variant classified as benign is not then subjected to further curation. The score for this variant resulted in a classification of benign for this disease.

PreventionGenetics, part of Exact Sciences
Classification: Benign. Last evaluated: 2018-02-23. Review status: criteria provided, single submitter. Criteria: ACMG Guidelines, 2015. Collection method: clinical testing. Allele origin: germline. Not counted in ClinVar's aggregate classification.

Genetic Services Laboratory, University of Chicago
Classification: Benign. Last evaluated: 2017-04-27. Review status: criteria provided, single submitter. Criteria: ACMG Guidelines, 2015. Collection method: clinical testing. Allele origin: germline. Affected: no. Not counted in ClinVar's aggregate classification.

Center for Pediatric Genomic Medicine, Children's Mercy Hospital and Clinics
Classification: Likely benign. Last evaluated: 2015-10-05. Review status: criteria provided, single submitter. Criteria: ACMG Guidelines, 2015. Collection method: clinical testing. Allele origin: germline. Not counted in ClinVar's aggregate classification.
ClinVar note: Converted during submission from Likely Benign to Likely benign.

Ambry Genetics
Classification: Benign for Hereditary cancer-predisposing syndrome. Last evaluated: 2015-07-09. Review status: criteria provided, single submitter. Criteria: Ambry Variant Classification Scheme 2023. Collection method: clinical testing. Allele origin: germline. Not counted in ClinVar's aggregate classification.

Genomic Diagnostic Laboratory, Division of Genomic Diagnostics, Children's Hospital of Philadelphia
Classification: Benign for Von Hippel-Lindau syndrome. Last evaluated: 2015-07-09. Review status: criteria provided, single submitter. Criteria: DGD Variant Analysis Guidelines. Collection method: clinical testing. Allele origin: unknown. Not counted in ClinVar's aggregate classification.

GeneDx
Classification: Benign. Last evaluated: 2013-12-11. Review status: criteria provided, single submitter. Criteria: GeneDx Variant Classification (06012015). Collection method: clinical testing. Allele origin: germline. Affected: yes. Not counted in ClinVar's aggregate classification.
Comment: This variant is considered likely benign or benign based on one or more of the following criteria: it is a conservative change, it occurs at a poorly conserved position in the protein, it is predicted to be benign by multiple in silico algorithms, and/or has population frequency not consistent with disease.

Eurofins Ntd Llc (ga)
Classification: Benign. Last evaluated: 2012-12-18. Review status: criteria provided, single submitter. Criteria: EGL Classification Definitions 2015. Collection method: clinical testing. Allele origin: germline. Observed: 1 variant allele, 1 heterozygote. Not counted in ClinVar's aggregate classification.

Breakthrough Genomics
Classification: Likely benign. Review status: criteria provided, single submitter. Criteria: ACMG Guidelines, 2015. Collection method: not provided. Allele origin: germline. Inheritance: Autosomal recessive inheritance. Affected: yes. Not counted in ClinVar's aggregate classification.

Clinical Genomics Labs, University Health Network
Classification: Likely benign for Von Hippel-Lindau syndrome. Last evaluated: 2019-07-12. Review status: no assertion criteria provided. Criteria: ACMG Guidelines, 2015. Collection method: clinical testing. Allele origin: germline. Not counted in ClinVar's aggregate classification.

ITMI
No classification provided. Condition: AllHighlyPenetrant. Last evaluated: 2013-09-19. Review status: no classification provided. Collection method: reference population. Allele origin: germline. Not counted in ClinVar's aggregate classification.
Comment: Please see associated publication for description of ethnicities

Clinical Genetics DNA and cytogenetics Diagnostics Lab, Erasmus MC, Erasmus Medical Center
Classification: Benign. Review status: no assertion criteria provided. Collection method: clinical testing. Allele origin: germline. Affected: yes. Study: VKGL Data-share Consensus. Not counted in ClinVar's aggregate classification.

Diagnostic Laboratory, Department of Genetics, University Medical Center Groningen
Classification: Likely benign. Review status: no assertion criteria provided. Collection method: clinical testing. Allele origin: germline. Affected: yes. Study: VKGL Data-share Consensus. Not counted in ClinVar's aggregate classification.

Genome Diagnostics Laboratory, Amsterdam University Medical Center
Classification: Likely benign. Review status: no assertion criteria provided. Collection method: clinical testing. Allele origin: germline. Affected: yes. Study: VKGL Data-share Consensus. Not counted in ClinVar's aggregate classification.

Genome Diagnostics Laboratory, University Medical Center Utrecht
Classification: Benign. Review status: no assertion criteria provided. Collection method: clinical testing. Allele origin: germline. Affected: yes. Study: VKGL Data-share Consensus. Not counted in ClinVar's aggregate classification.

Joint Genome Diagnostic Labs from Nijmegen and Maastricht, Radboudumc and MUMC+
Classification: Benign. Review status: no assertion criteria provided. Collection method: clinical testing. Allele origin: germline. Affected: yes. Study: VKGL Data-share Consensus. Not counted in ClinVar's aggregate classification.

Baylor-Hopkins Center for Mendelian Genomics, Johns Hopkins University School of Medicine
Classification: Likely pathogenic for Maffucci syndrome. Review status: flagged submission. Criteria: ACMG Guidelines, 2015. Collection method: research. Allele origin: unknown. Affected: yes. Observed: 1 heterozygote. Not counted in ClinVar's aggregate classification.
ClinVar note: Reason: Outlier claim with insufficient supporting evidence

Literature cited by the submitters: PubMed 31528828 (cited by Athena Diagnostics); PubMed 27845047 (cited by Athena Diagnostics); PubMed 31266731 (cited by Athena Diagnostics); PubMed 23857093 (cited by Athena Diagnostics); PubMed 24728327 (cited by Athena Diagnostics and ITMI); PubMed 7728151 (cited by Athena Diagnostics); PubMed 9663592 (cited by Athena Diagnostics and Ambry Genetics); PubMed 14500403 (cited by Athena Diagnostics); PubMed 18416845 (cited by Athena Diagnostics); PubMed 16884327 (cited by Athena Diagnostics and Ambry Genetics); PubMed 12114495 (cited by Athena Diagnostics); PubMed 8758206 (cited by Athena Diagnostics); PubMed 11257211 (cited by Athena Diagnostics); PubMed 17102080 (cited by Athena Diagnostics); PubMed 18676741 (cited by Athena Diagnostics).